The following is an entry in ClinVar:

ClinVar aggregate classification (germline): Uncertain significance (1 of 4 stars; one submission).

Conditions:
Hereditary cancer-predisposing syndrome. Also called: Neoplastic Syndromes, Hereditary; Tumor predisposition; Hereditary Cancer Syndrome; Hereditary neoplastic syndrome. Identifiers: Orphanet 140162, MedGen C0027672, MeSH D009386, MONDO:0015356.

Submission:

Ambry Genetics
Classification: Uncertain significance for Hereditary cancer-predisposing syndrome. Last evaluated: 2022-03-24. Review status: criteria provided, single submitter. Criteria: Ambry Variant Classification Scheme 2023. Collection method: clinical testing. Allele origin: germline.
Comment: The p.H543Q variant (also known as c.1629C>A), located in coding exon 15 of the POLE gene, results from a C to A substitution at nucleotide position 1629. The histidine at codon 543 is replaced by glutamine, an amino acid with highly similar properties. This amino acid position is conserved. In addition, the in silico prediction for this alteration is inconclusive. Since supporting evidence is limited at this time, the clinical significance of this alteration remains unclear.

NM_006231.4(POLE):c.1629C>A (p.His543Gln)

Gene: POLE (DNA polymerase epsilon, catalytic subunit; minus strand). Cytogenetic location: 12q24.33.
Variant type: single nucleotide variant.
Coding change: c.1629C>A on transcript NM_006231.4 (MANE Select); coding-DNA position 1629, C replaced by A.
Protein change: p.His543Gln; replaces histidine 543 with glutamine.
Molecular consequence: missense variant.
Genome position (GRCh38, 1-based): chr12:132,672,684, G>T on the plus strand (C>A on the coding strand, the complement: POLE is on the minus strand). VCF-style: chr12-132672684-G-T. GRCh37 (hg19) VCF-style: chr12-133249270-G-T.
Other names: short protein forms H543Q.
Identifiers: ClinVar variation 1776752 (VCV001776752.2), dbSNP rs1351573240, ClinGen allele CA387356690.